The following is an entry in ClinVar:

ClinVar aggregate classification (germline): Uncertain significance (1 of 4 stars; one submission).

Conditions:
Aortic aneurysm, familial thoracic 6 (AAT6). Also called: FAMILIAL THORACIC AORTIC ANEURYSM WITH LIVEDO RETICULARIS AND IRIS FLOCCULI. Identifiers: MedGen C2673186, MONDO:0012730, OMIM 611788.

gnomAD v4.1: 2 of 1,611,920 alleles (0.00012%); highest among the groups gnomAD compares: Non-Finnish European, 0.00017%; no homozygotes.

Submission:

Labcorp Genetics (formerly Invitae), Labcorp
Classification: Uncertain significance for Aortic aneurysm, familial thoracic 6. Last evaluated: 2025-04-22. Review status: criteria provided, single submitter. Criteria: Invitae Variant Classification Sherloc (09022015). Collection method: clinical testing. Allele origin: germline.
Comment: This sequence change falls in intron 3 of the ACTA2 gene. It does not directly change the encoded amino acid sequence of the ACTA2 protein. This variant is not present in population databases (gnomAD no frequency). This variant has not been reported in the literature in individuals affected with ACTA2-related conditions. Algorithms developed to predict the effect of sequence changes on RNA splicing suggest that this variant may disrupt the consensus splice site. In summary, the available evidence is currently insufficient to determine the role of this variant in disease. Therefore, it has been classified as a Variant of Uncertain Significance.

NM_001613.4(ACTA2):c.259-9A>G

Gene: ACTA2 (actin alpha 2, smooth muscle; minus strand). Cytogenetic location: 10q23.31.
Variant type: single nucleotide variant.
Coding change: c.259-9A>G on transcript NM_001613.4 (MANE Select); 9 bases into the intron before coding-DNA position 259, A replaced by G.
Molecular consequence: intron variant.
Genome position (GRCh38, 1-based): chr10:88,943,916, T>C on the plus strand (A>G on the coding strand, the complement: ACTA2 is on the minus strand). VCF-style: chr10-88943916-T-C. GRCh37 (hg19) VCF-style: chr10-90703673-T-C.
Other names: c.130-9A>G (NM_001406467.1, NM_001406468.1, NM_001406469.1); c.259-9A>G (NM_001320855.2, NM_001406462.1, NM_001406471.1 and 3 more transcripts); c.259-2047A>G (NM_001406466.1).
Identifiers: ClinVar variation 4779847 (VCV004779847.1).